The following is an entry in ClinVar:

ClinVar aggregate classification (germline): Pathogenic (1 of 4 stars; one submission).

Conditions:
Charcot-Marie-Tooth disease type 2. Also called: Charcot-Marie-Tooth type 2. Identifiers: Orphanet 64746, MedGen C0270914, MONDO:0018993.

Submission:

Labcorp Genetics (formerly Invitae), Labcorp
Classification: Pathogenic for Charcot-Marie-Tooth disease type 2. Last evaluated: 2025-01-25. Review status: criteria provided, single submitter. Criteria: Invitae Variant Classification Sherloc (09022015). Collection method: clinical testing. Allele origin: germline.
Comment: This sequence change creates a premature translational stop signal (p.Ser711Leufs*7) in the AARS gene. It is expected to result in an absent or disrupted protein product. Loss-of-function variants in AARS are known to be pathogenic (PMID: 25817015, 28493438, 34446925). This variant is not present in population databases (gnomAD no frequency). This variant has not been reported in the literature in individuals affected with AARS-related conditions. For these reasons, this variant has been classified as Pathogenic.

Literature cited by the submitters: PubMed 25817015; PubMed 28493438; PubMed 34446925.

NM_001605.3(AARS1):c.2130del (p.Ser711fs)

Gene: AARS1 (alanyl-tRNA synthetase 1; minus strand). Cytogenetic location: 16q22.1.
Variant type: Deletion.
Coding change: c.2130del on transcript NM_001605.3 (MANE Select); coding-DNA position 2130, one base deleted (C; older notation c.2130delC).
Protein change: p.Ser711fs; shifts the reading frame from serine 711.
Molecular consequence: frameshift variant.
Genome position (GRCh38, 1-based): chr16:70,258,080, G deleted on the plus strand (C on the coding strand, the reverse complement: AARS1 is on the minus strand); the first of 4 consecutive G bases (chr16:70,258,080-70,258,083); deleting any one gives the same sequence. VCF-style (leftmost placement, unchanged base first): chr16-70258079-AG-A. GRCh37 (hg19) VCF-style: chr16-70291982-AG-A.
Other names: short protein forms S711fs.
Identifiers: ClinVar variation 3729256 (VCV003729256.2).